The following is an entry in ClinVar:

NM_001184.4(ATR):c.1578G>C (p.Lys526Asn)

Gene: ATR (ATR checkpoint kinase; minus strand). Cytogenetic location: 3q23.
Variant type: single nucleotide variant.
Coding change: c.1578G>C on transcript NM_001184.4 (MANE Select); coding-DNA position 1578, G replaced by C.
Protein change: p.Lys526Asn; replaces lysine 526 with asparagine.
Molecular consequence: missense variant.
Genome position (GRCh38, 1-based): chr3:142,559,405, C>G on the plus strand (G>C on the coding strand, the complement: ATR is on the minus strand). VCF-style: chr3-142559405-C-G. GRCh37 (hg19) VCF-style: chr3-142278247-C-G.
Other names: c.1386G>C, p.Lys462Asn (NM_001354579.2); short protein forms K526N, K462N.
Identifiers: ClinVar variation 2006235 (VCV002006235.4), dbSNP rs2108480364, ClinGen allele CA354822408.

ClinVar aggregate classification (germline): Uncertain significance (1 of 4 stars; one submission).

Submission:

Labcorp Genetics (formerly Invitae), Labcorp
Classification: Uncertain significance. Last evaluated: 2022-06-14. Review status: criteria provided, single submitter. Criteria: Invitae Variant Classification Sherloc (09022015). Collection method: clinical testing. Allele origin: germline.
Comment: This variant is not present in population databases (gnomAD no frequency). This sequence change replaces lysine, which is basic and polar, with asparagine, which is neutral and polar, at codon 526 of the ATR protein (p.Lys526Asn). This variant has not been reported in the literature in individuals affected with ATR-related conditions. In summary, the available evidence is currently insufficient to determine the role of this variant in disease. Therefore, it has been classified as a Variant of Uncertain Significance. Algorithms developed to predict the effect of sequence changes on RNA splicing suggest that this variant may disrupt the consensus splice site. Algorithms developed to predict the effect of missense changes on protein structure and function (SIFT, PolyPhen-2, Align-GVGD) all suggest that this variant is likely to be tolerated.